The following is an entry in ClinVar:

ClinVar aggregate classification (germline): Likely benign. Review status: criteria provided, multiple submitters, no conflicts (2 of 4 stars). 2 submissions from 2 submitters: Likely benign (2). Last evaluated 2025-11-02.

Conditions:
Cardiovascular phenotype. Identifiers: MedGen CN230736.

gnomAD v4.1: 4 of 1,612,650 alleles (0.00025%); highest among the groups gnomAD compares: South Asian, 0.0022%; no homozygotes.

Submissions (2):

Ambry Genetics
Classification: Likely benign for Cardiovascular phenotype. Last evaluated: 2025-11-02. Review status: criteria provided, single submitter. Criteria: Ambry Variant Classification Scheme 2023. Collection method: clinical testing. Allele origin: germline.

Mayo Clinic Laboratories, Mayo Clinic
Classification: Likely benign. Last evaluated: 2025-05-01. Review status: criteria provided, single submitter. Criteria: ACMG Guidelines, 2015. Collection method: clinical testing. Allele origin: germline. Observed: 1 variant allele.
Comment: BP4, BP7, PM2_supporting

NM_001365276.2(TNXB):c.7221G>A (p.Glu2407=)

Gene: TNXB (tenascin XB; minus strand). Cytogenetic location: 6p21.33.
Variant type: single nucleotide variant.
Coding change: c.7221G>A on transcript NM_001365276.2 (MANE Select); coding-DNA position 7221, G replaced by A.
Protein change: p.Glu2407=; no amino-acid change (glutamic acid 2407 retained).
Molecular consequence: synonymous variant.
Genome position (GRCh38, 1-based): chr6:32,061,668, C>T on the plus strand (G>A on the coding strand, the complement: TNXB is on the minus strand). VCF-style: chr6-32061668-C-T. GRCh37 (hg19) VCF-style: chr6-32029445-C-T.
Other names: p.Glu2407=; c.7962G>A, p.Glu2654= (NM_001428335.1); c.7221G>A, p.Glu2407= (NM_019105.8).
Identifiers: ClinVar variation 4615167 (VCV004615167.2).